The following is an entry in ClinVar:

ClinVar aggregate classification (germline): Pathogenic (1 of 4 stars; one submission).

Conditions:
Deafness-lymphedema-leukemia syndrome. Also called: Emberger syndrome; Lymphedema, primary, with myelodysplasia. Identifiers: Orphanet 3226, MedGen C3279664, MONDO:0013540, OMIM 614038.
GATA2 deficiency with susceptibility to MDS/AML. Identifiers: MedGen CN300066, MONDO:0042982.

Submission:

Molecular Pathology Research Laboratory, SA Pathology
Classification: Pathogenic for GATA2 deficiency with susceptibility to MDS/AML; Deafness-lymphedema-leukemia syndrome. Last evaluated: 2021-07-06. Review status: criteria provided, single submitter. Criteria: ACMG Guidelines, 2015. Collection method: curation. Allele origin: germline. Inheritance: Autosomal dominant inheritance. Affected: yes. Observed: 2 variant alleles.
Comment: PVS1, PS4_Moderate, PM2

Literature cited by the submitters: PubMed 29724903; PubMed 33417088.

NM_032638.5(GATA2):c.1023del (p.Ala342fs)

Gene: GATA2 (GATA binding protein 2; minus strand). Cytogenetic location: 3q21.3.
Variant type: Deletion.
Coding change: c.1023del on transcript NM_032638.5 (MANE Select); coding-DNA position 1023, one base deleted (C; older notation c.1023delC).
Protein change: p.Ala342fs; shifts the reading frame from alanine 342.
Molecular consequence: frameshift variant. On other transcripts: intron variant (1).
Genome position (GRCh38, 1-based): chr3:128,481,939, G deleted on the plus strand (C on the coding strand, the reverse complement: GATA2 is on the minus strand); the first of 2 consecutive G bases (chr3:128,481,939-128,481,940); deleting either gives the same sequence. VCF-style (leftmost placement, unchanged base first): chr3-128481938-CG-C. GRCh37 (hg19) VCF-style: chr3-128200781-CG-C.
Other names: c.1023del, p.Ala342fs (NM_001145661.2); c.1018-37del (NM_001145662.1); short protein forms A342fs.
Identifiers: ClinVar variation 1184215 (VCV001184215.1), dbSNP rs2107668848, ClinGen allele CA2499216454.
Genomic context (GRCh38, chr3:128,481,938, plus strand): 5'-GGCGCCATAAGGTGGTGGTTGTCGTCTGACAATTTGCACAACAGGTGCCGGCTCTTCTGG[CG>C]GCCGACTGGGAGGGCAAGGCAGCGTCAGCAGGCTGGACTCCCACGCCCACCTCGACCCCC-3'